The following is an entry in ClinVar:

NM_003803.4(MYOM1):c.713A>G (p.Lys238Arg)

Gene: MYOM1 (myomesin 1; minus strand). Cytogenetic location: 18p11.31.
Variant type: single nucleotide variant.
Coding change: c.713A>G on transcript NM_003803.4 (MANE Select); coding-DNA position 713, A replaced by G.
Protein change: p.Lys238Arg; replaces lysine 238 with arginine.
Molecular consequence: missense variant.
Genome position (GRCh38, 1-based): chr18:3,188,806, T>C on the plus strand (A>G on the coding strand, the complement: MYOM1 is on the minus strand). VCF-style: chr18-3188806-T-C. GRCh37 (hg19) VCF-style: chr18-3188804-T-C.
Other names: c.713A>G, p.Lys238Arg (NM_019856.2); short protein forms K238R.
Identifiers: ClinVar variation 3877148 (VCV003877148.1).

ClinVar aggregate classification (germline): Uncertain significance (1 of 4 stars; one submission).

Submission:

Ambry Genetics
Classification: Uncertain significance. Last evaluated: 2025-02-09. Review status: criteria provided, single submitter. Criteria: Ambry Variant Classification Scheme 2023. Collection method: clinical testing. Allele origin: germline.
Comment: The p.K238R variant (also known as c.713A>G), located in coding exon 3 of the MYOM1 gene, results from an A to G substitution at nucleotide position 713. The lysine at codon 238 is replaced by arginine, an amino acid with highly similar properties. This amino acid position is conserved. In addition, this alteration is predicted to be tolerated by in silico analysis. Based on the available evidence, the clinical significance of this variant remains unclear.